The following is an entry in ClinVar:

ClinVar aggregate classification (germline): Uncertain significance (1 of 4 stars; one submission).

Conditions:
RYR1-related disorder. Also called: RYR1-related condition; RYR1-related disorders. Identifiers: MedGen CN239331.

Allele frequency attached by ClinVar (database versions not stated): gnomAD exomes below 0.00001; TOPMed below 0.00001; gnomAD 0.00001.
gnomAD v4.1: 3 of 1,611,296 alleles (0.00019%); highest among the groups gnomAD compares: African/African-American, 0.0027%; no homozygotes.

Submission:

Labcorp Genetics (formerly Invitae), Labcorp
Classification: Uncertain significance for RYR1-related disorder. Last evaluated: 2021-09-14. Review status: criteria provided, single submitter. Criteria: Invitae Variant Classification Sherloc (09022015). Collection method: clinical testing. Allele origin: germline.
Comment: This sequence change replaces leucine with valine at codon 2094 of the RYR1 protein (p.Leu2094Val). The leucine residue is highly conserved and there is a small physicochemical difference between leucine and valine. This variant is not present in population databases (ExAC no frequency). This variant has not been reported in the literature in individuals affected with RYR1-related conditions. Advanced modeling of protein sequence and biophysical properties (such as structural, functional, and spatial information, amino acid conservation, physicochemical variation, residue mobility, and thermodynamic stability) performed at Invitae indicates that this missense variant is not expected to disrupt RYR1 protein function. In summary, the available evidence is currently insufficient to determine the role of this variant in disease. Therefore, it has been classified as a Variant of Uncertain Significance.

NM_000540.3(RYR1):c.6280C>G (p.Leu2094Val)

Gene: RYR1 (ryanodine receptor 1; plus strand). Cytogenetic location: 19q13.2.
Variant type: single nucleotide variant.
Coding change: c.6280C>G on transcript NM_000540.3 (MANE Select); coding-DNA position 6280, C replaced by G.
Protein change: p.Leu2094Val; replaces leucine 2094 with valine.
Molecular consequence: missense variant.
Genome position (GRCh38, 1-based): chr19:38,494,357, C>G. VCF-style: chr19-38494357-C-G. GRCh37 (hg19) VCF-style: chr19-38984997-C-G.
Other names: c.6280C>G, p.Leu2094Val (NM_001042723.2); short protein forms L2094V.
Identifiers: ClinVar variation 1393049 (VCV001393049.6), dbSNP rs1034775973, ClinGen allele CA308102103.
Genomic context (GRCh38, chr19:38,494,357, plus strand): 5'-CATGTGCCGACCTGCCCTGCATGGTGCTCCAAGCCTTGCATTGTCTCCTTCCCAGGGTCC[C>G]TGCAGGAGCTGGTGTCCCACATGGTGGTGCGCTGGGCCCAAGAGGACTTCGTGCAGAGCC-3'
Protein context (NP_000531.2, residues 2084-2104): RSAEESKPRS[Leu2094Val]QELVSHMVVR